The following is an entry in ClinVar:

NM_018897.3(DNAH7):c.838G>A (p.Ala280Thr)

Gene: DNAH7 (dynein axonemal heavy chain 7; minus strand). Cytogenetic location: 2q32.3.
Variant type: single nucleotide variant.
Coding change: c.838G>A on transcript NM_018897.3 (MANE Select); coding-DNA position 838, G replaced by A.
Protein change: p.Ala280Thr; replaces alanine 280 with threonine.
Molecular consequence: missense variant.
Genome position (GRCh38, 1-based): chr2:196,019,201, C>T on the plus strand (G>A on the coding strand, the complement: DNAH7 is on the minus strand). VCF-style: chr2-196019201-C-T. GRCh37 (hg19) VCF-style: chr2-196883925-C-T.
Other names: short protein forms A280T.
Identifiers: ClinVar variation 4994665 (VCV004994665.1).
Genomic context (GRCh38, chr2:196,019,201, plus strand): 5'-AAAACCTCTATAAGGCCACATATACTCACTTAAAATTAGTGTGCCACAAATCTAGTACAG[C>T]CAGCATTGTGGGGTTCATTGCATTCAAGTGATCCCTAATATAACTGCTTGCAGCTAAAAA-3'
Protein context (NP_061720.2, residues 270-290): HLNAMNPTML[Ala280Thr]VLDLWHTNFK

ClinVar aggregate classification (germline): Benign (1 of 4 stars; one submission).

Conditions:
DNAH7-related disorder. Also called: DNAH7-related condition.

gnomAD v4.1: 10,322 of 1,512,340 alleles (0.68%); highest among the groups gnomAD compares: African/African-American, 12%; 556 homozygotes.

Submission:

PreventionGenetics, part of Exact Sciences
Classification: Benign for DNAH7-related condition. Last evaluated: 2024-12-14. Review status: criteria provided, single submitter. Criteria: ACMG Guidelines, 2015. Collection method: clinical testing. Allele origin: germline.
Comment: This variant is classified as benign based on ACMG/AMP sequence variant interpretation guidelines (Richards et al. 2015 PMID: 25741868, with internal and published modifications).